The following is an entry in ClinVar:

NM_014231.5(VAMP1):c.145C>A (p.Arg49Ser)

Genes: TAPBPL (TAP binding protein like; plus strand), VAMP1 (vesicle associated membrane protein 1; minus strand). Cytogenetic location: 12p13.31.
Variant type: single nucleotide variant.
Coding change: c.145C>A on transcript NM_014231.5 (MANE Select); coding-DNA position 145, C replaced by A.
Protein change: p.Arg49Ser; replaces arginine 49 with serine.
Molecular consequence: missense variant. On other transcripts: non-coding transcript variant (1).
Genome position (GRCh38, 1-based): chr12:6,465,985, G>T on the plus strand (C>A on the coding strand, the complement: VAMP1 is on the minus strand). VCF-style: chr12-6465985-G-T. GRCh37 (hg19) VCF-style: chr12-6575151-G-T.
Other names: c.145C>A, p.Arg49Ser (NM_001297438.2, NM_016830.4, NM_199245.3); short protein forms R49S.
Identifiers: ClinVar variation 3658696 (VCV003658696.2).

ClinVar aggregate classification (germline): Uncertain significance (1 of 4 stars; one submission).

Conditions:
Spastic paraplegia. Identifiers: MedGen C0037772, HP:0001258.

Submission:

Labcorp Genetics (formerly Invitae), Labcorp
Classification: Uncertain significance for Spastic paraplegia. Last evaluated: 2024-05-10. Review status: criteria provided, single submitter. Criteria: Invitae Variant Classification Sherloc (09022015). Collection method: clinical testing. Allele origin: germline.
Comment: This sequence change replaces arginine, which is basic and polar, with serine, which is neutral and polar, at codon 49 of the VAMP1 protein (p.Arg49Ser). This variant is not present in population databases (gnomAD no frequency). This variant has not been reported in the literature in individuals affected with VAMP1-related conditions. An algorithm developed to predict the effect of missense changes on protein structure and function (PolyPhen-2) suggests that this variant is likely to be tolerated. In summary, the available evidence is currently insufficient to determine the role of this variant in disease. Therefore, it has been classified as a Variant of Uncertain Significance.